The following is an entry in ClinVar:

ClinVar aggregate classification (germline): Uncertain significance (1 of 4 stars; one submission).

Conditions:
Brachyolmia-amelogenesis imperfecta syndrome. Also called: PLATYSPONDYLY WITH AMELOGENESIS IMPERFECTA; Tooth agenesis, selective, 6; Dental anomalies and short stature. Identifiers: Orphanet 2899, MedGen C1832594, MONDO:0011018, OMIM 601216. Disease mechanism: loss of function.

Submission:

Labcorp Genetics (formerly Invitae), Labcorp
Classification: Uncertain significance for Brachyolmia-amelogenesis imperfecta syndrome. Last evaluated: 2024-08-11. Review status: criteria provided, single submitter. Criteria: Invitae Variant Classification Sherloc (09022015). Collection method: clinical testing. Allele origin: germline.
Comment: This sequence change replaces arginine, which is basic and polar, with serine, which is neutral and polar, at codon 1059 of the LTBP3 protein (p.Arg1059Ser). The frequency data for this variant in the population databases is considered unreliable, as metrics indicate poor data quality at this position in the gnomAD database. This variant has not been reported in the literature in individuals affected with LTBP3-related conditions. ClinVar contains an entry for this variant (Variation ID: 1518299). An algorithm developed to predict the effect of missense changes on protein structure and function (PolyPhen-2) suggests that this variant is likely to be disruptive. In summary, the available evidence is currently insufficient to determine the role of this variant in disease. Therefore, it has been classified as a Variant of Uncertain Significance.

NM_001130144.3(LTBP3):c.3175C>A (p.Arg1059Ser)

Genes: LTBP3 (latent transforming growth factor beta binding protein 3; minus strand), LOC121832793 (Sharpr-MPRA regulatory region 4001; plus strand). Cytogenetic location: 11q13.1.
Variant type: single nucleotide variant.
Coding change: c.3175C>A on transcript NM_001130144.3 (MANE Select); coding-DNA position 3175, C replaced by A.
Protein change: p.Arg1059Ser; replaces arginine 1059 with serine.
Molecular consequence: missense variant.
Genome position (GRCh38, 1-based): chr11:65,540,314, G>T on the plus strand (C>A on the coding strand, the complement: LTBP3 is on the minus strand). VCF-style: chr11-65540314-G-T. GRCh37 (hg19) VCF-style: chr11-65307785-G-T.
Other names: c.2824C>A, p.Arg942Ser (NM_001164266.1); c.3175C>A, p.Arg1059Ser (NM_021070.4); short protein forms R942S, R1059S.
Identifiers: ClinVar variation 1518299 (VCV001518299.8), dbSNP rs1371757289, ClinGen allele CA381267479.